The following is an entry in ClinVar:

ClinVar aggregate classification (germline): Uncertain significance. Review status: criteria provided, multiple submitters, no conflicts (2 of 4 stars). 2 submissions from 2 submitters: Uncertain significance (2). Last evaluated 2025-12-11.

Conditions:
Cardiovascular phenotype. Identifiers: MedGen CN230736.
Aortic valve disease 2 (AOVD2). Identifiers: MedGen C3542024, MONDO:0013902, OMIM 614823.

gnomAD v4.1: 2 of 1,614,114 alleles (0.00012%); highest among the groups gnomAD compares: Admixed American, 0.0017%; no homozygotes.

Submissions (2):

Ambry Genetics
Classification: Uncertain significance for Cardiovascular phenotype. Last evaluated: 2025-12-11. Review status: criteria provided, single submitter. Criteria: Ambry Variant Classification Scheme 2023. Collection method: clinical testing. Allele origin: germline.
Comment: The c.971C>T (p.T324I) alteration is located in exon 8 (coding exon 7) of the TBX5 gene. This alteration results from a C to T substitution at nucleotide position 971, causing the threonine (T) at amino acid position 324 to be replaced by an isoleucine (I). Based on data from gnomAD, the T allele has an overall frequency of <0.001% (1/251326) total alleles studied. The highest observed frequency was 0.003% (1/34564) of Latino alleles. Based on insufficient or conflicting evidence, the clinical significance of this alteration remains unclear.

Labcorp Genetics (formerly Invitae), Labcorp
Classification: Uncertain significance for Aortic valve disease 2. Last evaluated: 2024-05-22. Review status: criteria provided, single submitter. Criteria: Invitae Variant Classification Sherloc (09022015). Collection method: clinical testing. Allele origin: germline.
Comment: This sequence change replaces threonine, which is neutral and polar, with isoleucine, which is neutral and non-polar, at codon 324 of the TBX5 protein (p.Thr324Ile). This variant is present in population databases (no rsID available, gnomAD 0.003%). This variant has not been reported in the literature in individuals affected with TBX5-related conditions. Advanced modeling of protein sequence and biophysical properties (such as structural, functional, and spatial information, amino acid conservation, physicochemical variation, residue mobility, and thermodynamic stability) performed at Invitae indicates that this missense variant is not expected to disrupt TBX5 protein function with a negative predictive value of 80%. In summary, the available evidence is currently insufficient to determine the role of this variant in disease. Therefore, it has been classified as a Variant of Uncertain Significance.

NM_181486.4(TBX5):c.971C>T (p.Thr324Ile)

Gene: TBX5 (T-box transcription factor 5; minus strand). Cytogenetic location: 12q24.21.
Variant type: single nucleotide variant.
Coding change: c.971C>T on transcript NM_181486.4 (MANE Select); coding-DNA position 971, C replaced by T.
Protein change: p.Thr324Ile; replaces threonine 324 with isoleucine.
Molecular consequence: missense variant.
Genome position (GRCh38, 1-based): chr12:114,366,176, G>A on the plus strand (C>T on the coding strand, the complement: TBX5 is on the minus strand). VCF-style: chr12-114366176-G-A. GRCh37 (hg19) VCF-style: chr12-114803981-G-A.
Other names: c.971C>T, p.Thr324Ile (NM_000192.3); c.821C>T, p.Thr274Ile (NM_080717.4); short protein forms T274I, T324I.
Identifiers: ClinVar variation 3702692 (VCV003702692.3).